The following is an entry in ClinVar:

ClinVar aggregate classification (germline): Uncertain significance (1 of 4 stars; one submission).

Allele frequency attached by ClinVar (database versions not stated): gnomAD exomes below 0.00001; TOPMed below 0.00001; ExAC 0.00001; gnomAD 0.00001.
gnomAD v4.1: 2 of 1,613,880 alleles (0.00012%); highest among the groups gnomAD compares: African/African-American, 0.0027%; no homozygotes.

Submission:

Labcorp Genetics (formerly Invitae), Labcorp
Classification: Uncertain significance. Last evaluated: 2021-11-12. Review status: criteria provided, single submitter. Criteria: Invitae Variant Classification Sherloc (09022015). Collection method: clinical testing. Allele origin: germline.
Comment: This sequence change replaces serine, which is neutral and polar, with asparagine, which is neutral and polar, at codon 1276 of the VPS13C protein (p.Ser1276Asn). This variant is present in population databases (rs760756427, gnomAD 0.007%). This variant has not been reported in the literature in individuals affected with VPS13C-related conditions. Algorithms developed to predict the effect of missense changes on protein structure and function are either unavailable or do not agree on the potential impact of this missense change (SIFT: "Deleterious"; PolyPhen-2: "Benign"; Align-GVGD: "Class C0"). In summary, the available evidence is currently insufficient to determine the role of this variant in disease. Therefore, it has been classified as a Variant of Uncertain Significance.

NM_020821.3(VPS13C):c.3827G>A (p.Ser1276Asn)

Gene: VPS13C (vacuolar protein sorting 13 homolog C; minus strand). Cytogenetic location: 15q22.2.
Variant type: single nucleotide variant.
Coding change: c.3827G>A on transcript NM_020821.3 (MANE Select); coding-DNA position 3827, G replaced by A.
Protein change: p.Ser1276Asn; replaces serine 1276 with asparagine.
Molecular consequence: missense variant.
Genome position (GRCh38, 1-based): chr15:61,961,670, C>T on the plus strand (G>A on the coding strand, the complement: VPS13C is on the minus strand). VCF-style: chr15-61961670-C-T. GRCh37 (hg19) VCF-style: chr15-62253869-C-T.
Other names: c.3827G>A, p.Ser1276Asn (NM_001018088.3); c.3698G>A, p.Ser1233Asn (NM_017684.5, NM_018080.4); short protein forms S1233N, S1276N.
Identifiers: ClinVar variation 1361922 (VCV001361922.6), dbSNP rs760756427, ClinGen allele CA7596283.